The following is an entry in ClinVar:

ClinVar aggregate classification (germline): Uncertain significance. Review status: criteria provided, multiple submitters, no conflicts (2 of 4 stars). 2 submissions from 2 submitters: Uncertain significance (2). Last evaluated 2025-08-02.

Conditions:
Dilated cardiomyopathy 1DD (CMD1DD). Identifiers: Orphanet 154, MedGen C2750995, MONDO:0013168, OMIM 613172.
Cardiovascular phenotype. Identifiers: MedGen CN230736.

Allele frequency attached by ClinVar (database versions not stated): gnomAD exomes below 0.00001; TOPMed below 0.00001.
gnomAD v4.1: 4 of 1,551,264 alleles (0.00026%); highest among the groups gnomAD compares: Non-Finnish European, 0.00035%; no homozygotes.

Submissions (2):

Labcorp Genetics (formerly Invitae), Labcorp
Classification: Uncertain significance for Dilated cardiomyopathy 1DD. Last evaluated: 2025-08-02. Review status: criteria provided, single submitter. Criteria: Invitae Variant Classification Sherloc (09022015). Collection method: clinical testing. Allele origin: germline.
Comment: This sequence change replaces alanine, which is neutral and non-polar, with valine, which is neutral and non-polar, at codon 491 of the RBM20 protein (p.Ala491Val). This variant is not present in population databases (gnomAD no frequency). This variant has not been reported in the literature in individuals affected with RBM20-related conditions. ClinVar contains an entry for this variant (Variation ID: 1493169). Invitae Evidence Modeling of protein sequence and biophysical properties (such as structural, functional, and spatial information, amino acid conservation, physicochemical variation, residue mobility, and thermodynamic stability) indicates that this missense variant is not expected to disrupt RBM20 protein function with a negative predictive value of 95%. In summary, the available evidence is currently insufficient to determine the role of this variant in disease. Therefore, it has been classified as a Variant of Uncertain Significance.

Molecular Diagnostic Laboratory for Inherited Cardiovascular Disease, Montreal Heart Institute
Classification: Uncertain significance for Cardiovascular phenotype. Last evaluated: 2025-04-09. Review status: criteria provided, single submitter. Criteria: ACMG Guidelines, 2015. Collection method: clinical testing. Allele origin: germline. Affected: yes.
Comment: PM2, BP4

NM_001134363.3(RBM20):c.1472C>T (p.Ala491Val)

Gene: RBM20 (RNA binding motif protein 20; plus strand). Cytogenetic location: 10q25.2.
Variant type: single nucleotide variant.
Coding change: c.1472C>T on transcript NM_001134363.3 (MANE Select); coding-DNA position 1472, C replaced by T.
Protein change: p.Ala491Val; replaces alanine 491 with valine.
Molecular consequence: missense variant.
Genome position (GRCh38, 1-based): chr10:110,784,834, C>T. VCF-style: chr10-110784834-C-T. GRCh37 (hg19) VCF-style: chr10-112544592-C-T.
Other names: c.1472C>T (NM_001134363.2); short protein forms A491V.
Identifiers: ClinVar variation 1493169 (VCV001493169.9), dbSNP rs1844400398, ClinGen allele CA378388443.
Genomic context (GRCh38, chr10:110,784,834, plus strand): 5'-GTGTAATTCATCATTTAGATTATGCCTCAAATCTTGGAACATCATACGTGCCCATTCCAG[C>T]AAGGTCATTCACTCAGTCAAGCCCCACATTTCCTTTGGCTTCTGTGGGGACAACTGTGAG-3'
Protein context (NP_001127835.2, residues 481-501): NLGTSYVPIP[Ala491Val]RSFTQSSPTF